The following is an entry in ClinVar:

NM_002474.3(MYH11):c.5092G>A (p.Ala1698Thr)

Genes: MYH11 (myosin heavy chain 11; minus strand), NDE1 (nudE neurodevelopment protein 1; plus strand). Cytogenetic location: 16p13.11.
Variant type: single nucleotide variant.
Coding change: c.5092G>A on transcript NM_002474.3 (MANE Select); coding-DNA position 5092, G replaced by A.
Protein change: p.Ala1698Thr; replaces alanine 1698 with threonine.
Molecular consequence: missense variant. On other transcripts: intron variant (2).
Genome position (GRCh38, 1-based): chr16:15,719,299, C>T on the plus strand (G>A on the coding strand, the complement: MYH11 is on the minus strand). VCF-style: chr16-15719299-C-T. GRCh37 (hg19) VCF-style: chr16-15813156-C-T.
Other names: c.5113G>A, p.Ala1705Thr (NM_001040113.2, NM_001040114.2); c.5092G>A, p.Ala1698Thr (NM_022844.3); c.948-4892C>T (NM_001143979.2, NM_017668.3, NM_001143979.1); short protein forms A1705T, A1698T.
Identifiers: ClinVar variation 465745 (VCV000465745.18), dbSNP rs187172581, ClinGen allele CA278596958.

ClinVar aggregate classification (germline): Conflicting classifications of pathogenicity. Review status: criteria provided, conflicting classifications (1 of 4 stars). 7 submissions from 6 submitters: Uncertain significance (5); Likely benign (2). Last evaluated 2026-01-06.

Conditions:
Visceral myopathy 2. Identifiers: MedGen C5543466, MONDO:0859157, OMIM 619350.
Megacystis-microcolon-intestinal hypoperistalsis syndrome 2. Identifiers: MedGen C5543476, MONDO:0025708, OMIM 619351.
Aortic aneurysm, familial thoracic 4 (AAT4). Also called: AORTIC ANEURYSM/AORTIC DISSECTION AND PATENT DUCTUS ARTERIOSUS. Identifiers: MedGen C1851504, MONDO:0007568, OMIM 132900.
Inborn genetic diseases. Identifiers: MedGen C0950123, MeSH D030342.
Familial thoracic aortic aneurysm and aortic dissection (TAAD). Also called: Thoracic aortic aneurysms and dissections. Identifiers: Orphanet 91387, MedGen C4707243, MONDO:0019625.

Allele frequency attached by ClinVar (database versions not stated): gnomAD 0.00003; TOPMed 0.00005; gnomAD exomes 0.00007.
gnomAD v4.1: 101 of 1,611,292 alleles (0.0063%); highest among the groups gnomAD compares: East Asian, 0.16%; 1 homozygote.

Submissions (7):

Ambry Genetics
Classification: Likely benign for Inborn genetic diseases. Last evaluated: 2026-01-06. Review status: criteria provided, single submitter. Criteria: Ambry Variant Classification Scheme 2023. Collection method: clinical testing. Allele origin: germline.

Color Diagnostics, LLC DBA Color Health
Classification: Likely benign for Familial thoracic aortic aneurysm and aortic dissection. Last evaluated: 2025-11-24. Review status: criteria provided, single submitter. Criteria: ACMG Guidelines, 2015. Collection method: clinical testing. Allele origin: germline.

Ambry Genetics
Classification: Uncertain significance for Familial thoracic aortic aneurysm and aortic dissection. Last evaluated: 2025-03-17. Review status: criteria provided, single submitter. Criteria: Ambry Variant Classification Scheme 2023. Collection method: clinical testing. Allele origin: germline.
Comment: The p.A1698T variant (also known as c.5092G>A), located in coding exon 35 of the MYH11 gene, results from a G to A substitution at nucleotide position 5092. The alanine at codon 1698 is replaced by threonine, an amino acid with similar properties. This alteration was observed in a Japanese population cohort of 2049 individuals who underwent whole-genome sequencing (Yamaguchi-Kabata Y et al. J Hum Genet, 2018 Feb;63:213-230). This amino acid position is well conserved in available vertebrate species. In addition, this alteration is predicted to be tolerated by in silico analysis. Based on the available evidence, the clinical significance of this variant remains unclear.

Blueprint Genetics
Classification: Uncertain significance. Last evaluated: 2024-10-30. Review status: criteria provided, single submitter. Criteria: ACMG Guidelines, 2015. Collection method: clinical testing. Allele origin: germline.

Labcorp Genetics (formerly Invitae), Labcorp
Classification: Uncertain significance for Aortic aneurysm, familial thoracic 4. Last evaluated: 2021-12-08. Review status: criteria provided, single submitter. Criteria: Invitae Variant Classification Sherloc (09022015). Collection method: clinical testing. Allele origin: germline.
Comment: This sequence change replaces alanine, which is neutral and non-polar, with threonine, which is neutral and polar, at codon 1705 of the MYH11 protein (p.Ala1705Thr). This variant is present in population databases (no rsID available, gnomAD 0.005%). This variant has not been reported in the literature in individuals affected with MYH11-related conditions. ClinVar contains an entry for this variant (Variation ID: 465745). Algorithms developed to predict the effect of missense changes on protein structure and function are either unavailable or do not agree on the potential impact of this missense change (SIFT: "Deleterious"; PolyPhen-2: "Possibly Damaging"; Align-GVGD: "Class C0"). In summary, the available evidence is currently insufficient to determine the role of this variant in disease. Therefore, it has been classified as a Variant of Uncertain Significance.

Fulgent Genetics
Classification: Uncertain significance for Aortic aneurysm, familial thoracic 4; Visceral myopathy 2; Megacystis-microcolon-intestinal hypoperistalsis syndrome 2. Last evaluated: 2021-10-09. Review status: criteria provided, single submitter. Criteria: ACMG Guidelines, 2015. Collection method: clinical testing. Allele origin: unknown.

Illumina Laboratory Services, Illumina
Classification: Uncertain significance for Aortic aneurysm, familial thoracic 4. Last evaluated: 2018-01-12. Review status: criteria provided, single submitter. Criteria: ICSL Variant Classification Criteria 13 December 2019. Collection method: clinical testing. Allele origin: germline.

Literature cited by the submitters: PubMed 29192238 (cited by Ambry Genetics).